The following is an entry in ClinVar:

ClinVar aggregate classification (germline): Likely pathogenic (1 of 4 stars; one submission).

Conditions:
Familial thoracic aortic aneurysm and aortic dissection (TAAD). Also called: Thoracic aortic aneurysms and dissections. Identifiers: Orphanet 91387, MedGen C4707243, MONDO:0019625.

Submission:

Ambry Genetics
Classification: Likely pathogenic for Familial thoracic aortic aneurysm and aortic dissection. Last evaluated: 2024-11-16. Review status: criteria provided, single submitter. Criteria: Ambry Variant Classification Scheme 2023. Collection method: clinical testing. Allele origin: germline.
Comment: The p.C821W variant (also known as c.2463C>G), located in coding exon 20 of the FBN1 gene, results from a C to G substitution at nucleotide position 2463. The cysteine at codon 821 is replaced by tryptophan, an amino acid with highly dissimilar properties. This variant has been observed in at least one individual with a personal and/or family history that is consistent with Marfan syndrome (Ambry internal data). The majority of FBN1 mutations identified to date have involved the substitution or generation of cysteine residues within cbEGF domains (Vollbrandt T et al. J Biol Chem. 2004;279(31):32924-32931). Internal structural analysis indicates this alteration eliminates a disulfide bond critical for the structural integrity of the cbEGF9 domain (Ambry internal data). This amino acid position is highly conserved in available vertebrate species. In addition, this alteration is predicted to be deleterious by in silico analysis. This variant is considered to be rare based on population cohorts in the Genome Aggregation Database (gnomAD). Based on the majority of available evidence to date, this variant is likely to be pathogenic.

Literature cited by the submitters: PubMed 19839986; PubMed 26787436.

NM_000138.5(FBN1):c.2463C>G (p.Cys821Trp)

Gene: FBN1 (fibrillin 1; minus strand). Cytogenetic location: 15q21.1.
Variant type: single nucleotide variant.
Coding change: c.2463C>G on transcript NM_000138.5 (MANE Select); coding-DNA position 2463, C replaced by G.
Protein change: p.Cys821Trp; replaces cysteine 821 with tryptophan.
Molecular consequence: missense variant.
Genome position (GRCh38, 1-based): chr15:48,495,545, G>C on the plus strand (C>G on the coding strand, the complement: FBN1 is on the minus strand). VCF-style: chr15-48495545-G-C. GRCh37 (hg19) VCF-style: chr15-48787742-G-C.
Other names: short protein forms C821W.
Identifiers: ClinVar variation 519723 (VCV000519723.6), dbSNP rs1555399205, ClinGen allele CA392334570.